The following is an entry in ClinVar:

ClinVar aggregate classification (germline): Uncertain significance. Review status: criteria provided, multiple submitters, no conflicts (2 of 4 stars). 2 submissions from 2 submitters: Uncertain significance (2). Last evaluated 2024-07-31.

Conditions:
Inborn genetic diseases. Identifiers: MedGen C0950123, MeSH D030342.

Allele frequency attached by ClinVar (database versions not stated): TOPMed below 0.00001; gnomAD 0.00001; gnomAD exomes 0.00001.
gnomAD v4.1: 12 of 1,552,472 alleles (0.00077%); highest among the groups gnomAD compares: Middle Eastern, 0.05%; no homozygotes.

Submissions (2):

Blueprint Genetics
Classification: Uncertain significance. Last evaluated: 2024-07-31. Review status: criteria provided, single submitter. Criteria: ACMG Guidelines, 2015. Collection method: clinical testing. Allele origin: germline.

Ambry Genetics
Classification: Uncertain significance for Inborn genetic diseases. Last evaluated: 2023-07-04. Review status: criteria provided, single submitter. Criteria: Ambry Variant Classification Scheme 2023. Collection method: clinical testing. Allele origin: germline.
Comment: The p.F421S variant (also known as c.1262T>C), located in coding exon 10 of the EPAS1 gene, results from a T to C substitution at nucleotide position 1262. The phenylalanine at codon 421 is replaced by serine, an amino acid with highly dissimilar properties. This amino acid position is conserved. In addition, the in silico prediction for this alteration is inconclusive. Since supporting evidence is limited at this time, the clinical significance of this alteration remains unclear.

NM_001430.5(EPAS1):c.1262T>C (p.Phe421Ser)

Gene: EPAS1 (endothelial PAS domain protein 1; plus strand). Cytogenetic location: 2p21.
Variant type: single nucleotide variant.
Coding change: c.1262T>C on transcript NM_001430.5 (MANE Select); coding-DNA position 1262, T replaced by C.
Protein change: p.Phe421Ser; replaces phenylalanine 421 with serine.
Molecular consequence: missense variant.
Genome position (GRCh38, 1-based): chr2:46,377,906, T>C. VCF-style: chr2-46377906-T-C. GRCh37 (hg19) VCF-style: chr2-46605045-T-C.
Other names: short protein forms F421S.
Identifiers: ClinVar variation 1763473 (VCV001763473.4), dbSNP rs1335973434, ClinGen allele CA346703615.